The following is an entry in ClinVar:

NM_000574.5(CD55):c.650T>G (p.Leu217Trp)

Gene: CD55 (CD55 molecule (Cromer blood group); plus strand). Cytogenetic location: 1q32.2.
Variant type: single nucleotide variant.
Coding change: c.650T>G on transcript NM_000574.5 (MANE Select); coding-DNA position 650, T replaced by G.
Protein change: p.Leu217Trp; replaces leucine 217 with tryptophan.
Molecular consequence: missense variant. On other transcripts: non-coding transcript variant (1).
Genome position (GRCh38, 1-based): chr1:207,326,823, T>G. VCF-style: chr1-207326823-T-G. GRCh37 (hg19) VCF-style: chr1-207500168-T-G.
Other names: c.650T>G, p.Leu217Trp (NM_001114752.3, NM_001300902.2, NM_001300903.2 and 1 more transcripts); short protein forms L217W.
Identifiers: ClinVar variation 1442531 (VCV001442531.5), dbSNP rs567156112, ClinGen allele CA1368055.
Genomic context (GRCh38, chr1:207,326,823, plus strand): 5'-TTGGCTCGACTTCTAGTTTTTGTCTTATTTCAGGCAGCTCTGTCCAGTGGAGTGACCCGT[T>G]GCCAGAGTGCAGAGGTAAGAGTTAAAAAATCTAAGCACTCAGATTGTGAGGCTGAGTACT-3'
Protein context (NP_000565.1, residues 207-227): SGSSVQWSDP[Leu217Trp]PECREIYCPA

ClinVar aggregate classification (germline): Uncertain significance (1 of 4 stars; one submission).

Allele frequency attached by ClinVar (database versions not stated): gnomAD exomes 0.00002 and 0.00010; gnomAD 0.00003 and 0.00004; TOPMed 0.00005; ExAC 0.00010; 1000 Genomes Project 30x 0.00016; 1000 Genomes Project 0.00020.
gnomAD v4.1: 34 of 1,613,188 alleles (0.0021%); highest among the groups gnomAD compares: East Asian, 0.06%; no homozygotes.

Submission:

Labcorp Genetics (formerly Invitae), Labcorp
Classification: Uncertain significance. Last evaluated: 2022-05-10. Review status: criteria provided, single submitter. Criteria: Invitae Variant Classification Sherloc (09022015). Collection method: clinical testing. Allele origin: germline.
Comment: This sequence change replaces leucine, which is neutral and non-polar, with tryptophan, which is neutral and slightly polar, at codon 217 of the CD55 protein (p.Leu217Trp). This variant is present in population databases (rs567156112, gnomAD 0.1%). This variant has not been reported in the literature in individuals affected with CD55-related conditions. Algorithms developed to predict the effect of missense changes on protein structure and function are either unavailable or do not agree on the potential impact of this missense change (SIFT: "Deleterious"; PolyPhen-2: "Probably Damaging"; Align-GVGD: "Class C0"). In summary, the available evidence is currently insufficient to determine the role of this variant in disease. Therefore, it has been classified as a Variant of Uncertain Significance.